The following is an entry in ClinVar:

NM_024753.5(TTC21B):c.3045del (p.Asn1016fs)

Gene: TTC21B (tetratricopeptide repeat domain 21B; minus strand). Cytogenetic location: 2q24.3.
Variant type: Deletion.
Coding change: c.3045del on transcript NM_024753.5 (MANE Select); coding-DNA position 3045, one base deleted (T; older notation c.3045delT).
Protein change: p.Asn1016fs; shifts the reading frame from asparagine 1016.
Molecular consequence: frameshift variant.
Genome position (GRCh38, 1-based): chr2:165,890,894, A deleted on the plus strand (T on the coding strand, the reverse complement: TTC21B is on the minus strand). VCF-style (leftmost placement, unchanged base first): chr2-165890893-TA-T. GRCh37 (hg19) VCF-style: chr2-166747403-TA-T.
Other names: short protein forms N1016fs.
Identifiers: ClinVar variation 1451840 (VCV001451840.6), dbSNP rs2105292022, ClinGen allele CA2573133471.

ClinVar aggregate classification (germline): Pathogenic (1 of 4 stars; one submission).

Conditions:
Nephronophthisis. Also called: Juvenile Nephronophthisis. Identifiers: Orphanet 655, MedGen C0687120, MONDO:0019005, HP:0000090.
Jeune thoracic dystrophy. Also called: Jeune syndrome; Infantile thoracic dystrophy; Thoracic pelvic phalangeal dystrophy; Jeune's syndrome; Chondroectodermal dysplasia-like syndrome; Short-rib thoracic dysplasia. Identifiers: Orphanet 474, MedGen C0265275, MONDO:0018770.

Submission:

Labcorp Genetics (formerly Invitae), Labcorp
Classification: Pathogenic for Jeune thoracic dystrophy; Nephronophthisis. Last evaluated: 2022-09-01. Review status: criteria provided, single submitter. Criteria: Invitae Variant Classification Sherloc (09022015). Collection method: clinical testing. Allele origin: germline.
Comment: For these reasons, this variant has been classified as Pathogenic. This sequence change creates a premature translational stop signal (p.Asn1016Thrfs*48) in the TTC21B gene. It is expected to result in an absent or disrupted protein product. Loss-of-function variants in TTC21B are known to be pathogenic (PMID: 18327258, 21068128, 21258341, 23559409, 24876116, 25492405, 27491411, 29068549). This variant is not present in population databases (gnomAD no frequency). This variant has not been reported in the literature in individuals affected with TTC21B-related conditions. ClinVar contains an entry for this variant (Variation ID: 1451840).

Literature cited by the submitters: PubMed 18327258; PubMed 21068128; PubMed 21258341; PubMed 23559409; PubMed 24876116; PubMed 25492405; PubMed 27491411; PubMed 29068549.